The following is an entry in ClinVar:

ClinVar aggregate classification (germline): Uncertain significance (1 of 4 stars; one submission).

Conditions:
Chuvash polycythemia. Also called: POLYCYTHEMIA, VHL-DEPENDENT. Identifiers: Orphanet 238557, MedGen C1837915, MONDO:0009892, OMIM 263400.
Von Hippel-Lindau syndrome (VHLS). Also called: VHL syndrome; von Hippel–Lindau syndrome; Von Hippel-Lindau. Identifiers: Orphanet 892, MedGen C0019562, MONDO:0008667, OMIM 193300. Disease mechanism: loss of function.

Submission:

Labcorp Genetics (formerly Invitae), Labcorp
Classification: Uncertain significance for Von Hippel-Lindau syndrome; Chuvash polycythemia. Last evaluated: 2021-09-01. Review status: criteria provided, single submitter. Criteria: Invitae Variant Classification Sherloc (09022015). Collection method: clinical testing. Allele origin: germline.
Comment: This sequence change replaces glutamic acid with lysine at codon 36 of the VHL protein (p.Glu36Lys). The glutamic acid residue is weakly conserved and there is a small physicochemical difference between glutamic acid and lysine. The frequency data for this variant in the population databases is considered unreliable, as metrics indicate insufficient coverage at this position in the ExAC database. This variant has not been reported in the literature in individuals affected with VHL-related conditions. Advanced modeling of protein sequence and biophysical properties (such as structural, functional, and spatial information, amino acid conservation, physicochemical variation, residue mobility, and thermodynamic stability) performed at Invitae indicates that this missense variant is not expected to disrupt VHL protein function. In summary, the available evidence is currently insufficient to determine the role of this variant in disease. Therefore, it has been classified as a Variant of Uncertain Significance.

NM_000551.4(VHL):c.106G>A (p.Glu36Lys)

Gene: VHL (von Hippel-Lindau tumor suppressor; plus strand). Cytogenetic location: 3p25.3.
Variant type: single nucleotide variant.
Coding change: c.106G>A on transcript NM_000551.4 (MANE Select); coding-DNA position 106, G replaced by A.
Protein change: p.Glu36Lys; replaces glutamic acid 36 with lysine.
Molecular consequence: missense variant.
Genome position (GRCh38, 1-based): chr3:10,141,953, G>A. VCF-style: chr3-10141953-G-A. GRCh37 (hg19) VCF-style: chr3-10183637-G-A.
Other names: c.106G>A, p.Glu36Lys (NM_001354723.2, NM_198156.3); short protein forms E36K.
Identifiers: ClinVar variation 1016980 (VCV001016980.6), dbSNP rs1696121268, ClinGen allele CA351747712.